The following is an entry in ClinVar:

NM_001242896.3(DEPDC5):c.2286C>T (p.Asp762=)

Gene: DEPDC5 (DEP domain containing 5, GATOR1 subcomplex subunit; plus strand). Cytogenetic location: 22q12.3.
Variant type: single nucleotide variant.
Coding change: c.2286C>T on transcript NM_001242896.3 (MANE Select); coding-DNA position 2286, C replaced by T.
Protein change: p.Asp762=; no amino-acid change (aspartic acid 762 retained).
Molecular consequence: synonymous variant. On other transcripts: non-coding transcript variant (4).
Genome position (GRCh38, 1-based): chr22:31,837,087, C>T. VCF-style: chr22-31837087-C-T. GRCh37 (hg19) VCF-style: chr22-32233073-C-T.
Other names: c.2259C>T, p.Asp753= (NM_001136029.4, NM_001369903.1, NM_014662.6); c.2052C>T, p.Asp684= (NM_001242897.2, NM_001363854.2, NM_001364319.2); c.2286C>T, p.Asp762= (NM_001363852.2, NM_001364318.2, NM_001364320.2); c.2202C>T, p.Asp734= (NM_001369901.1, NM_001369902.1).
Identifiers: ClinVar variation 374736 (VCV000374736.55), dbSNP rs200465447, ClinGen allele CA10196674.
Genomic context (GRCh38, chr22:31,837,087, plus strand): 5'-GGACTGGAAGTCTCTCACTACTCCGGCGTGCCTCCCCCTTACCACCGACTACTTCCCTGA[C>T]CGCCAGGGCCTGCAGAATGACTACACAGAGGGCTGTTATGATCTCCTTCCAGAAGCAGAC-3'
Protein context (NP_001229825.1, residues 752-772): CLPLTTDYFP[Asp762=]RQGLQNDYTE

ClinVar aggregate classification (germline): Benign/Likely benign. Review status: criteria provided, multiple submitters, no conflicts (2 of 4 stars). 4 submissions from 4 submitters: Benign (2); Likely benign (2). Last evaluated 2026-02-01.

Conditions:
Familial focal epilepsy with variable foci (FPEVF). Identifiers: Orphanet 98820, MedGen C1858477, MONDO:0020310.

Allele frequency attached by ClinVar (database versions not stated): gnomAD 0.00002 and 0.00007; TOPMed 0.00006; 1000 Genomes Project 30x 0.00016; gnomAD exomes 0.00016 and 0.00022; 1000 Genomes Project 0.00020; ExAC 0.00022.
gnomAD v4.1: 244 of 1,614,228 alleles (0.015%); highest among the groups gnomAD compares: Middle Eastern, 0.23%; 1 homozygote.

Submissions (4):

CeGaT Center for Human Genetics Tuebingen
Classification: Likely benign. Last evaluated: 2026-02-01. Review status: criteria provided, single submitter. Criteria: CeGaT Center For Human Genetics Tuebingen Variant Classification Criteria Version 2. Collection method: clinical testing. Allele origin: germline. Affected: yes. Observed: 4 variant alleles.
Comment: DEPDC5: BP4, BP7

Labcorp Genetics (formerly Invitae), Labcorp
Classification: Benign for Familial focal epilepsy with variable foci. Last evaluated: 2025-10-15. Review status: criteria provided, single submitter. Criteria: Invitae Variant Classification Sherloc (09022015). Collection method: clinical testing. Allele origin: germline.

Blueprint Genetics
Classification: Likely benign. Last evaluated: 2024-09-30. Review status: criteria provided, single submitter. Criteria: ACMG Guidelines, 2015. Collection method: clinical testing. Allele origin: germline.

GeneDx
Classification: Benign. Last evaluated: 2019-06-03. Review status: criteria provided, single submitter. Criteria: GeneDx Variant Classification Process June 2021. Collection method: clinical testing. Allele origin: germline. Affected: yes.